The following is an entry in ClinVar:

ClinVar aggregate classification (germline): Likely benign. Review status: criteria provided, multiple submitters, no conflicts (2 of 4 stars). 4 submissions from 4 submitters: Likely benign (4). Last evaluated 2025-12-30.

Conditions:
Wilms tumor 1 (WT1). Also called: Wilms tumor, somatic. Identifiers: Orphanet 654, MedGen CN033288, MONDO:0008679, OMIM 194070.
11p partial monosomy syndrome (WAGR). Also called: CHROMOSOME 11p13 DELETION SYNDROME; WAGR Spectrum Disorder; WAGR syndrome; WAGR Complex. Identifiers: Orphanet 893, MedGen C0206115, MONDO:0008681, OMIM 194072.
Frasier syndrome. Identifiers: Orphanet 347, MedGen C0950122, MeSH D052159, MONDO:0007635, OMIM 136680.
Drash syndrome (DDS). Also called: NEPHROPATHY, WILMS TUMOR, AND GENITAL ANOMALIES; WILMS TUMOR AND PSEUDO- OR TRUE HERMAPHRODITISM. Identifiers: Orphanet 220, MedGen C0950121, MONDO:0008682, OMIM 194080.
Inborn genetic diseases. Identifiers: MedGen C0950123, MeSH D030342.

Allele frequency attached by ClinVar (database versions not stated): gnomAD below 0.00001 and 0.00001; gnomAD exomes 0.00001; ExAC 0.00002.
gnomAD v4.1: 14 of 1,613,638 alleles (0.00087%); highest among the groups gnomAD compares: South Asian, 0.014%; no homozygotes.

Submissions (4):

Labcorp Genetics (formerly Invitae), Labcorp
Classification: Likely benign for Wilms tumor 1; Drash syndrome; 11p partial monosomy syndrome; Frasier syndrome. Last evaluated: 2025-12-30. Review status: criteria provided, single submitter. Criteria: Invitae Variant Classification Sherloc (09022015). Collection method: clinical testing. Allele origin: germline.

CeGaT Center for Human Genetics Tuebingen
Classification: Likely benign. Last evaluated: 2024-12-01. Review status: criteria provided, single submitter. Criteria: CeGaT Center For Human Genetics Tuebingen Variant Classification Criteria Version 2. Collection method: clinical testing. Allele origin: germline. Affected: yes. Observed: 1 variant allele.
Comment: WT1: BP4, BP7

Ambry Genetics
Classification: Likely benign for Inborn genetic diseases. Last evaluated: 2024-08-21. Review status: criteria provided, single submitter. Criteria: Ambry Variant Classification Scheme 2023. Collection method: clinical testing. Allele origin: germline.

PreventionGenetics, part of Exact Sciences
Classification: Likely benign. Review status: criteria provided, single submitter. Criteria: ACMG Guidelines, 2015. Collection method: clinical testing. Allele origin: germline.

NM_024426.6(WT1):c.900C>T (p.Tyr300=)

Gene: WT1 (WT1 transcription factor; minus strand). Cytogenetic location: 11p13.
Variant type: single nucleotide variant.
Coding change: c.900C>T on transcript NM_024426.6 (MANE Select); coding-DNA position 900, C replaced by T.
Protein change: p.Tyr300=; no amino-acid change (tyrosine 300 retained).
Molecular consequence: synonymous variant. On other transcripts: non-coding transcript variant (2).
Genome position (GRCh38, 1-based): chr11:32,417,642, G>A on the plus strand (C>T on the coding strand, the complement: WT1 is on the minus strand). VCF-style: chr11-32417642-G-A. GRCh37 (hg19) VCF-style: chr11-32439188-G-A.
Other names: c.900C>T, p.Tyr300= (NM_000378.6, NM_001407044.1, NM_001407045.1 and 4 more transcripts); c.249C>T, p.Tyr83= (NM_001198551.2, NM_001198552.2); c.777C>T, p.Tyr259= (NM_001407047.1, NM_001407050.1); c.138C>T, p.Tyr46= (NM_001407051.1); c.885C>T, p.Tyr295= (NM_024425.2).
Identifiers: ClinVar variation 261717 (VCV000261717.26), dbSNP rs190440703, ClinGen allele CA065860.